The following is an entry in ClinVar:

ClinVar aggregate classification (germline): Conflicting classifications of pathogenicity. Review status: criteria provided, conflicting classifications (1 of 4 stars). 4 submissions from 4 submitters: Likely pathogenic (2); Uncertain significance (2). Last evaluated 2026-01-12.

Conditions:
Deficiency of galactokinase. Also called: Galactokinase deficiency with cataracts; GALACTOSEMIA II. Identifiers: Orphanet 352, Orphanet 79237, MedGen C0268155, MONDO:0009255, OMIM 230200.

Allele frequency attached by ClinVar (database versions not stated): gnomAD 0.00001; gnomAD exomes 0.00001.
gnomAD v4.1: 9 of 1,609,666 alleles (0.00056%); highest among the groups gnomAD compares: Non-Finnish European, 0.00076%; no homozygotes.

Submissions (4):

Labcorp Genetics (formerly Invitae), Labcorp
Classification: Uncertain significance for Deficiency of galactokinase. Last evaluated: 2026-01-12. Review status: criteria provided, single submitter. Criteria: Invitae Variant Classification Sherloc (09022015). Collection method: clinical testing. Allele origin: germline.
Comment: This sequence change replaces glycine, which is neutral and non-polar, with arginine, which is basic and polar, at codon 36 of the GALK1 protein (p.Gly36Arg). This variant is not present in population databases (gnomAD no frequency). This missense change has been observed in individual(s) with galactokinase deficiency (PMID: 10790206). In at least one individual the data is consistent with being in trans (on the opposite chromosome) from a pathogenic variant. ClinVar contains an entry for this variant (Variation ID: 1331472). Invitae Evidence Modeling of protein sequence and biophysical properties (such as structural, functional, and spatial information, amino acid conservation, physicochemical variation, residue mobility, and thermodynamic stability) indicates that this missense variant is expected to disrupt GALK1 protein function with a positive predictive value of 80%. Experimental studies have shown that this missense change affects GALK1 function (PMID: 10790206, 12694189). In summary, the available evidence is currently insufficient to determine the role of this variant in disease. Therefore, it has been classified as a Variant of Uncertain Significance.

Natera, Inc.
Classification: Likely pathogenic for Deficiency of galactokinase. Last evaluated: 2024-12-02. Review status: criteria provided, single submitter. Criteria: Natera Variant Classification Schema (03/2026). Collection method: clinical testing. Allele origin: germline.
Comment: The c.106G>C variant in GALK1 is a missense variant predicted to cause substitution of glycine to arginine at amino acid 36. This variant is rare in the general population with a frequency below the threshold expected for the associated phenotype(s). This variant has been observed in one or more individuals affected with the associated recessive disease, as either homozygous or compound heterozygous with a second variant (PMID: 10790206). Functional studies show that this variant may disrupt protein function (PMID: 10790206). Computational prediction algorithms indicate this variant is likely to affect gene or protein function. Given the available evidence, this variant is classified as Likely Pathogenic.

Fulgent Genetics
Classification: Likely pathogenic for Deficiency of galactokinase. Last evaluated: 2024-02-23. Review status: criteria provided, single submitter. Criteria: ACMG Guidelines, 2015. Collection method: clinical testing. Allele origin: germline.

Women's Health and Genetics/Laboratory Corporation of America, LabCorp
Classification: Uncertain significance. Last evaluated: 2021-12-23. Review status: criteria provided, single submitter. Criteria: LabCorp Variant Classification Summary - May 2015. Collection method: clinical testing. Allele origin: germline.
Comment: Variant summary: GALK1 c.106G>C (p.Gly36Arg) results in a non-conservative amino acid change located in the motif I (the galactokinase signature motif, Timson_GALK1_EJB_2003) of the encoded protein sequence. Five of five in-silico tools predict a damaging effect of the variant on protein function. The variant was absent in 235950 control chromosomes (gnomAD). c.106G>C has been reported in the literature in at least one individual affected with Galactokinase Deficiency (Kolosha_2000). At least one functional study reports experimental evidence evaluating an impact on protein function and results in reducing galactokinase activity (Kolosha_2000). No clinical diagnostic laboratories have submitted clinical-significance assessments for this variant to ClinVar after 2014. Based on the evidence outlined above, the variant was classified as VUS-possibly pathogenic.

Literature cited by the submitters: PubMed 10790206 (cited by 3 submitters); PubMed 12694189 (cited by Labcorp Genetics (formerly Invitae), Labcorp and Women's Health and Genetics/Laboratory Corporation of America, LabCorp); PubMed 29893426 (cited by Women's Health and Genetics/Laboratory Corporation of America, LabCorp); PubMed 12796487 (cited by Women's Health and Genetics/Laboratory Corporation of America, LabCorp); PubMed 15590630 (cited by Women's Health and Genetics/Laboratory Corporation of America, LabCorp); PubMed 14596685 (cited by Women's Health and Genetics/Laboratory Corporation of America, LabCorp).

NM_000154.2(GALK1):c.106G>C (p.Gly36Arg)

Gene: GALK1 (galactokinase 1; minus strand). Cytogenetic location: 17q25.1.
Variant type: single nucleotide variant.
Coding change: c.106G>C on transcript NM_000154.2 (MANE Select); coding-DNA position 106, G replaced by C.
Protein change: p.Gly36Arg; replaces glycine 36 with arginine.
Molecular consequence: missense variant.
Genome position (GRCh38, 1-based): chr17:75,765,031, C>G on the plus strand (G>C on the coding strand, the complement: GALK1 is on the minus strand). VCF-style: chr17-75765031-C-G. GRCh37 (hg19) VCF-style: chr17-73761112-C-G.
Other names: c.106G>C, p.Gly36Arg (NM_001381985.1); short protein forms G36R.
Identifiers: ClinVar variation 1331472 (VCV001331472.8), dbSNP rs1214866139, ClinGen allele CA401109676.